The following is an entry in ClinVar:

ClinVar aggregate classification (germline): Pathogenic. Review status: criteria provided, multiple submitters, no conflicts (2 of 4 stars). 13 submissions from 13 submitters: Pathogenic (8). 5 of the submissions do not count toward it. Last evaluated 2026-01-18.

Conditions:
ALG6-related disorder. Also called: ALG6-related condition.
ALG6-congenital disorder of glycosylation 1C (CDG1C). Also called: Congenital disorder of glycosylation, type Ic; CARBOHYDRATE-DEFICIENT GLYCOPROTEIN SYNDROME, TYPE I, WITH DEFICIENT GLYCOSYLATION OF DOLICHOL-LINKED OLIGOSACCHARIDE; CARBOHYDRATE-DEFICIENT GLYCOPROTEIN SYNDROME, TYPE V; Congenital disorder of glycosylation type 1C; CDG Ic. Identifiers: Orphanet 79320, MedGen C2930997, MONDO:0011291, OMIM 603147.

Allele frequency attached by ClinVar (database versions not stated): TOPMed 0.00003; gnomAD 0.00003.
gnomAD v4.1: 98 of 1,608,452 alleles (0.0061%); highest among the groups gnomAD compares: Non-Finnish European, 0.0074%; no homozygotes.

Submissions (13):

Labcorp Genetics (formerly Invitae), Labcorp
Classification: Pathogenic for ALG6-congenital disorder of glycosylation 1C. Last evaluated: 2026-01-18. Review status: criteria provided, single submitter. Criteria: Invitae Variant Classification Sherloc (09022015). Collection method: clinical testing. Allele origin: germline.
Comment: This sequence change replaces alanine, which is neutral and non-polar, with valine, which is neutral and non-polar, at codon 333 of the ALG6 protein (p.Ala333Val). This variant is present in population databases (rs121908443, gnomAD 0.006%). This missense change has been observed in individual(s) with ALG6-congenital disorder of glycosylation (CDG-Ic) (PMID: 10359825, 10914684, 11106564, 20447155, 23430515, 27287710). In at least one individual the data is consistent with being in trans (on the opposite chromosome) from a pathogenic variant. It has also been observed to segregate with disease in related individuals. ClinVar contains an entry for this variant (Variation ID: 5497). Invitae Evidence Modeling of protein sequence and biophysical properties (such as structural, functional, and spatial information, amino acid conservation, physicochemical variation, residue mobility, and thermodynamic stability) indicates that this missense variant is expected to disrupt ALG6 protein function with a positive predictive value of 80%. Experimental studies have shown that this missense change affects ALG6 function (PMID: 10359825, 10914684, 11106564). For these reasons, this variant has been classified as Pathogenic.

Natera, Inc.
Classification: Pathogenic for Congenital disorder of glycosylation type 1c. Last evaluated: 2025-08-01. Review status: criteria provided, single submitter. Criteria: Natera Variant Classification Schema (03/2026). Collection method: clinical testing. Allele origin: germline.
Comment: The c.998C>T variant in ALG6 is a missense variant predicted to cause substitution of alanine to valine at amino acid 333. This variant is rare in the general population with a frequency below the threshold expected for the associated phenotype(s). This variant has been observed in one or more individuals affected with the associated recessive disease, as either homozygous or compound heterozygous with a second variant (PMID: 30653653, 10914684, 23430515). Given the available evidence, this variant is classified as Pathogenic.

Revvity Omics, Revvity
Classification: Pathogenic for ALG6-congenital disorder of glycosylation 1C. Last evaluated: 2024-10-03. Review status: criteria provided, single submitter. Criteria: ACMG Guidelines, 2015. Collection method: clinical testing. Allele origin: germline.

Women's Health and Genetics/Laboratory Corporation of America, LabCorp
Classification: Pathogenic for ALG6-congenital disorder of glycosylation 1C. Last evaluated: 2024-09-09. Review status: criteria provided, single submitter. Criteria: LabCorp Variant Classification Summary - May 2015. Collection method: clinical testing. Allele origin: germline.
Comment: Variant summary: ALG6 c.998C>T (p.Ala333Val) results in a non-conservative amino acid change in the encoded protein sequence. Three of three in-silico tools predict a damaging effect of the variant on protein function. The variant allele was found at a frequency of 4.4e-05 in 249886 control chromosomes. This frequency is not significantly higher than estimated for a pathogenic variant in ALG6 causing Congenital Disorder Of Glycosylation Type 1C (4.4e-05 vs 0.0011), allowing no conclusion about variant significance. c.998C>T has been reported in the literature in the homozygous and compound heterozygous states in multiple individuals affected with Congenital Disorder Of Glycosylation Type 1C and segregated with disease in at least one family (vandenBoogert_2019, Imbach_1999). These data indicate that the variant is very likely to be associated with disease. At least one publication reports experimental evidence that this variant impacts protein function in yeast (Imbach_1999). The following publications have been ascertained in the context of this evaluation (PMID: 10359825, 31117816). ClinVar contains an entry for this variant (Variation ID: 5497). Based on the evidence outlined above, the variant was classified as pathogenic.

Fulgent Genetics
Classification: Pathogenic for ALG6-congenital disorder of glycosylation 1C. Last evaluated: 2024-05-31. Review status: criteria provided, single submitter. Criteria: ACMG Guidelines, 2015. Collection method: clinical testing. Allele origin: germline.

PreventionGenetics, part of Exact Sciences
Classification: Pathogenic for ALG6-related condition. Last evaluated: 2023-04-21. Review status: criteria provided, single submitter. Criteria: ACMG Guidelines, 2015. Collection method: clinical testing. Allele origin: germline.
Comment: The ALG6 c.998C>T variant is predicted to result in the amino acid substitution p.Ala333Val. This variant has been reported to be causative for congenital disorder of glycosylation 1c when present in the homozygous or compound heterozygous state (Imbach et al. 1999. PubMed ID: 10359825; Westphal et al. 2000. PubMed ID: 11106564). This variant is reported in 0.0062% of alleles in individuals of European (Non-Finnish) descent in gnomAD. This variant is interpreted as pathogenic.

GeneDx
Classification: Pathogenic. Last evaluated: 2022-02-27. Review status: criteria provided, single submitter. Criteria: GeneDx Variant Classification Process June 2021. Collection method: clinical testing. Allele origin: germline. Affected: yes.
Comment: Published functional studies demonstrate that the A333V variant severely impairs ALG6 protein function and leads to incomplete CPY glycosylation (Imbach et al., 2000; Westphal et al., 2003); Not observed at a significant frequency in large population cohorts (gnomAD); In silico analysis supports that this missense variant has a deleterious effect on protein structure/function; This variant is associated with the following publications: (PMID: 23430515, 27287710, 10852543, 12855228, 11106564, 20447155, 10359825, 10914684, 14517965, 23044053, 15771971, 31589614, 33413482, 31991610)

Illumina Laboratory Services, Illumina
Classification: Pathogenic for ALG6-congenital disorder of glycosylation 1C. Last evaluated: 2018-08-09. Review status: criteria provided, single submitter. Criteria: ICSL Variant Classification Criteria 09 May 2019. Collection method: clinical testing. Allele origin: germline.
Comment: The ALG6 c.998C>T (p.Ala333Val) missense variant is reported to be the most common cause of congenital disorders of glycosylation (CDG) (Drijvers et al. 2010; Ichikawa et al. 2013). Across a selection of the available literature, the p.Ala333Val variant has been reported in a total of eight individuals with CDG, including in four homozygotes, comprised of two sibling pairs who are cousins, and in four unrelated compound heterozygotes. This variant was also identified in a heterozygous state in five unaffected parents of the probands (Imbach et al. 1999; Westphal et al. 2000; Drijvers et al. 2010; Ichikawa et al. 2013; Dercksen et al. 2013). The p.Ala333Val variant was absent from controls but is reported at a frequency of 0.000075 in the European (non-Finnish) population of the Exome Aggregation Consortium. Functional studies in yeast with a hypoglycosylation phenotype showed that the p.Ala333Val variant was able to only partially restore glycosylation, whereas glycosylation was fully restored with the wild type protein (Imbach et al. 1999; Westphal et al. 2000). Based on the collective evidence, the p.Ala333Val variant is classified as pathogenic for congenital disorders of glycosylation. This variant was observed by ICSL as part of a predisposition screen in an ostensibly healthy population.

Counsyl
Classification: Pathogenic for ALG6-congenital disorder of glycosylation 1C. Last evaluated: 2017-07-05. Review status: no assertion criteria provided. Collection method: clinical testing. Allele origin: unknown. Not counted in ClinVar's aggregate classification.

OMIM
Classification: Pathogenic for CONGENITAL DISORDER OF GLYCOSYLATION, TYPE Ic. Last evaluated: 1999-06-08. Review status: no assertion criteria provided. Collection method: literature only. Allele origin: germline. Not counted in ClinVar's aggregate classification.

Clinical Genetics DNA and cytogenetics Diagnostics Lab, Erasmus MC, Erasmus Medical Center
Classification: Likely pathogenic. Review status: no assertion criteria provided. Collection method: clinical testing. Allele origin: germline. Affected: yes. Study: VKGL Data-share Consensus. Not counted in ClinVar's aggregate classification.

Genome Diagnostics Laboratory, Amsterdam University Medical Center
Classification: Pathogenic. Review status: no assertion criteria provided. Collection method: clinical testing. Allele origin: germline. Affected: yes. Study: VKGL Data-share Consensus. Not counted in ClinVar's aggregate classification.

Joint Genome Diagnostic Labs from Nijmegen and Maastricht, Radboudumc and MUMC+
Classification: Pathogenic. Review status: no assertion criteria provided. Collection method: clinical testing. Allele origin: germline. Affected: yes. Study: VKGL Data-share Consensus. Not counted in ClinVar's aggregate classification.

Literature cited by the submitters: PubMed 10359825 (cited by 4 submitters); PubMed 10914684 (cited by 3 submitters); PubMed 11106564 (cited by Labcorp Genetics (formerly Invitae), Labcorp and Illumina Laboratory Services, Illumina); PubMed 20447155 (cited by Labcorp Genetics (formerly Invitae), Labcorp and Illumina Laboratory Services, Illumina); PubMed 23430515 (cited by 4 submitters); PubMed 27287710 (cited by Labcorp Genetics (formerly Invitae), Labcorp); PubMed 30653653 (cited by Natera, Inc.); PubMed 31117816 (cited by Women's Health and Genetics/Laboratory Corporation of America, LabCorp); PubMed 23044053 (cited by Illumina Laboratory Services, Illumina); PubMed 14517965 (cited by Counsyl); PubMed 10852543 (cited by Counsyl); PubMed 12855228 (cited by Counsyl); PubMed 15771971 (cited by Counsyl).

NM_013339.4(ALG6):c.998C>T (p.Ala333Val)

Gene: ALG6 (ALG6 alpha-1,3-glucosyltransferase; plus strand). Cytogenetic location: 1p31.3.
Variant type: single nucleotide variant.
Coding change: c.998C>T on transcript NM_013339.4 (MANE Select); coding-DNA position 998, C replaced by T.
Protein change: p.Ala333Val; replaces alanine 333 with valine.
Molecular consequence: missense variant.
Genome position (GRCh38, 1-based): chr1:63,419,380, C>T. VCF-style: chr1-63419380-C-T. GRCh37 (hg19) VCF-style: chr1-63885051-C-T.
Other names: c.998C>T, p.Ala333Val (LRG_1260t1); short protein forms A333V.
Identifiers: ClinVar variation 5497 (VCV000005497.33), dbSNP rs121908443, ClinGen allele CA253504.